The following is an entry in ClinVar:

NM_005901.6(SMAD2):c.1385G>A (p.Arg462His)

Gene: SMAD2 (SMAD family member 2; minus strand). Cytogenetic location: 18q21.1.
Variant type: single nucleotide variant.
Coding change: c.1385G>A on transcript NM_005901.6 (MANE Select); coding-DNA position 1385, G replaced by A.
Protein change: p.Arg462His; replaces arginine 462 with histidine.
Molecular consequence: missense variant.
Genome position (GRCh38, 1-based): chr18:47,841,846, C>T on the plus strand (G>A on the coding strand, the complement: SMAD2 is on the minus strand). VCF-style: chr18-47841846-C-T. GRCh37 (hg19) VCF-style: chr18-45368217-C-T.
Other names: c.1385G>A, p.Arg462His (NM_001003652.4); c.1295G>A, p.Arg432His (NM_001135937.3); short protein forms R432H, R462H.
Identifiers: ClinVar variation 1308032 (VCV001308032.3), dbSNP rs773849578, ClinGen allele CA300256704.

ClinVar aggregate classification (germline): Uncertain significance (1 of 4 stars; one submission).

Allele frequency attached by ClinVar (database versions not stated): gnomAD 0.00001.
gnomAD v4.1: 1 of 1,614,020 alleles (0.000062%); highest among the groups gnomAD compares: Admixed American, 0.0017%; no homozygotes.

Submission:

GeneDx
Classification: Uncertain significance. Last evaluated: 2026-10-23. Review status: criteria provided, single submitter. Criteria: GeneDx Variant Classification Process June 2021. Collection method: clinical testing. Allele origin: germline.
Comment: Not observed at significant frequency in large population cohorts (gnomAD); In silico analysis suggests that this missense variant does not alter protein structure/function; Has not been previously published as pathogenic or benign to our knowledge